The following is an entry in ClinVar:

NM_006030.4(CACNA2D2):c.1783A>T (p.Ser595Cys)

Gene: CACNA2D2 (calcium voltage-gated channel auxiliary subunit alpha2delta 2; minus strand). Cytogenetic location: 3p21.31.
Variant type: single nucleotide variant.
Coding change: c.1783A>T on transcript NM_006030.4 (MANE Select); coding-DNA position 1783, A replaced by T.
Protein change: p.Ser595Cys; replaces serine 595 with cysteine.
Molecular consequence: missense variant.
Genome position (GRCh38, 1-based): chr3:50,375,871, T>A on the plus strand (A>T on the coding strand, the complement: CACNA2D2 is on the minus strand). VCF-style: chr3-50375871-T-A. GRCh37 (hg19) VCF-style: chr3-50413302-T-A.
Other names: c.1783A>T, p.Ser595Cys (NM_001005505.3, NM_001174051.3); c.1576A>T, p.Ser526Cys (NM_001291101.1); c.1783A>T (NM_001174051.1); short protein forms S595C, S526C.
Identifiers: ClinVar variation 854326 (VCV000854326.6), dbSNP rs147739443, ClinGen allele CA2418727.

ClinVar aggregate classification (germline): Uncertain significance. Review status: criteria provided, multiple submitters, no conflicts (2 of 4 stars). 2 submissions from 2 submitters: Uncertain significance (2). Last evaluated 2025-12-17.

Conditions:
Inborn genetic diseases. Identifiers: MedGen C0950123, MeSH D030342.
Early-infantile DEE. Also called: Ohtahara syndrome; Early infantile epileptic encephalopathy with suppression bursts; Early infantile epileptic encephalopathy. Identifiers: Orphanet 1934, MedGen C0393706, MONDO:0800491.

Allele frequency attached by ClinVar (database versions not stated): TOPMed 0.00005; gnomAD 0.00007; ESP Exome Variant Server 0.00015.
gnomAD v4.1: 60 of 1,612,884 alleles (0.0037%); highest among the groups gnomAD compares: Non-Finnish European, 0.0049%; no homozygotes.

Submissions (2):

Labcorp Genetics (formerly Invitae), Labcorp
Classification: Uncertain significance for Early-infantile DEE. Last evaluated: 2025-12-17. Review status: criteria provided, single submitter. Criteria: Invitae Variant Classification Sherloc (09022015). Collection method: clinical testing. Allele origin: germline.
Comment: This sequence change replaces serine, which is neutral and polar, with cysteine, which is neutral and slightly polar, at codon 595 of the CACNA2D2 protein (p.Ser595Cys). This variant is present in population databases (rs147739443, gnomAD 0.01%). This variant has not been reported in the literature in individuals affected with CACNA2D2-related conditions. ClinVar contains an entry for this variant (Variation ID: 854326). An algorithm developed to predict the effect of missense changes on protein structure and function (PolyPhen-2) suggests that this variant is likely to be disruptive. In summary, the available evidence is currently insufficient to determine the role of this variant in disease. Therefore, it has been classified as a Variant of Uncertain Significance.

Ambry Genetics
Classification: Uncertain significance for Inborn genetic diseases. Last evaluated: 2023-12-20. Review status: criteria provided, single submitter. Criteria: Ambry Variant Classification Scheme 2023. Collection method: clinical testing. Allele origin: germline.